The following is an entry in ClinVar:

ClinVar aggregate classification (germline): Pathogenic (1 of 4 stars; one submission).

gnomAD v4.1: 1 of 1,614,196 alleles (0.000062%); highest among the groups gnomAD compares: Non-Finnish European, 0.000085%; no homozygotes.

Submission:

CeGaT Center for Human Genetics Tuebingen
Classification: Pathogenic. Last evaluated: 2025-01-01. Review status: criteria provided, single submitter. Criteria: CeGaT Center For Human Genetics Tuebingen Variant Classification Criteria Version 2. Collection method: clinical testing. Allele origin: germline. Affected: yes. Observed: 1 variant allele.
Comment: PCNT: PVS1, PM2

NM_006031.6(PCNT):c.6214C>T (p.Gln2072Ter)

Gene: PCNT (pericentrin; plus strand). Cytogenetic location: 21q22.3.
Variant type: single nucleotide variant.
Coding change: c.6214C>T on transcript NM_006031.6 (MANE Select); coding-DNA position 6214, C replaced by T.
Protein change: p.Gln2072Ter; replaces glutamine 2072 with a stop codon.
Molecular consequence: nonsense.
Genome position (GRCh38, 1-based): chr21:46,416,132, C>T. VCF-style: chr21-46416132-C-T. GRCh37 (hg19) VCF-style: chr21-47836046-C-T.
Other names: c.5860C>T, p.Gln1954Ter (NM_001315529.2); short protein forms Q1954*, Q2072*.
Identifiers: ClinVar variation 3771660 (VCV003771660.13).